The following is an entry in ClinVar:

ClinVar aggregate classification (germline): Uncertain significance (1 of 4 stars; one submission).

Conditions:
Malignant hyperthermia, susceptibility to, 5 (MHS5). Also called: CACNA1S-Related Malignant Hyperthermia Susceptibility. Identifiers: Orphanet 423, MedGen C1866077, MONDO:0011163, OMIM 601887.

Submission:

All of Us Research Program, National Institutes of Health
Classification: Uncertain significance for Malignant hyperthermia, susceptibility to, 5. Last evaluated: 2023-04-03. Review status: criteria provided, single submitter. Criteria: ACMG Guidelines, 2015. Collection method: clinical testing. Allele origin: germline. Inheritance: Autosomal dominant inheritance. Observed: 1 variant allele, 1 heterozygote.
Comment: This missense variant replaces lysine with glutamine at codon 693 of the CACNA1S protein. Computational prediction suggests that this variant may not impact protein structure and function (internally defined REVEL score threshold <= 0.5, PMID: 27666373). To our knowledge, functional studies have not been reported for this variant. This variant has not been reported in individuals affected with CACNA1S-related disorders in the literature. This variant has not been identified in the general population by the Genome Aggregation Database (gnomAD). The available evidence is insufficient to determine the role of this variant in disease conclusively. Therefore, this variant is classified as a Variant of Uncertain Significance.

This study involves interpretation of variants in research participants for the purpose of population health screening. Participant phenotype was not available at the time of variant classification. Additional details can be found in publication PMID: 35346344, PMCID: PMC8962531

NM_000069.3(CACNA1S):c.2077A>C (p.Lys693Gln)

Gene: CACNA1S (calcium voltage-gated channel subunit alpha1 S; minus strand). Cytogenetic location: 1q32.1.
Variant type: single nucleotide variant.
Coding change: c.2077A>C on transcript NM_000069.3 (MANE Select); coding-DNA position 2077, A replaced by C.
Protein change: p.Lys693Gln; replaces lysine 693 with glutamine.
Molecular consequence: missense variant.
Genome position (GRCh38, 1-based): chr1:201,073,629, T>G on the plus strand (A>C on the coding strand, the complement: CACNA1S is on the minus strand). VCF-style: chr1-201073629-T-G. GRCh37 (hg19) VCF-style: chr1-201042757-T-G.
Other names: short protein forms K693Q.
Identifiers: ClinVar variation 3070220 (VCV003070220.1), dbSNP rs1553251204, ClinGen allele CA344113833.